The following is an entry in ClinVar:

ClinVar aggregate classification (germline): Uncertain significance (1 of 4 stars; one submission).

Conditions:
Early onset severe obesity. Identifiers: MedGen C4013980.

Submission:

Cambridge Genomics Laboratory, East Genomic Laboratory Hub, NHS Genomic Medicine Service
Classification: Uncertain significance for Severe early-onset obesity. Last evaluated: 2026-06-10. Review status: criteria provided, single submitter. Criteria: ACGS Best Practice Guidelines for Variant Classification in Rare Disease 2020. Collection method: clinical testing. Allele origin: germline. Affected: yes.
Comment: PM2,PM4

NM_006180.6(NTRK2):c.2515T>A (p.Ter839Lys)

Gene: NTRK2 (neurotrophic receptor tyrosine kinase 2; plus strand). Cytogenetic location: 9q21.33.
Variant type: single nucleotide variant.
Coding change: c.2515T>A on transcript NM_006180.6 (MANE Select); coding-DNA position 2515, T replaced by A.
Protein change: p.Ter839Lys.
Molecular consequence: stop lost.
Genome position (GRCh38, 1-based): chr9:85,021,435, T>A. VCF-style: chr9-85021435-T-A. GRCh37 (hg19) VCF-style: chr9-87636350-T-A.
Other names: c.2467T>A, p.Ter823Lys (NM_001018064.3, NM_001369532.1, NM_001369533.1); c.2431T>A, p.Ter811Lys (NM_001369534.1); c.1999T>A, p.Ter667Lys (NM_001369535.1); c.2047T>A, p.Ter683Lys (NM_001369536.1).
Identifiers: ClinVar variation 4876246 (VCV004876246.1).